The following is an entry in ClinVar:

NM_000552.5(VWF):c.4183C>T (p.Arg1395Trp)

Gene: VWF (von Willebrand factor; minus strand). Cytogenetic location: 12p13.31.
Variant type: single nucleotide variant.
Coding change: c.4183C>T on transcript NM_000552.5 (MANE Select); coding-DNA position 4183, C replaced by T.
Protein change: p.Arg1395Trp; replaces arginine 1395 with tryptophan.
Molecular consequence: missense variant.
Genome position (GRCh38, 1-based): chr12:6,019,235, G>A on the plus strand (C>T on the coding strand, the complement: VWF is on the minus strand). VCF-style: chr12-6019235-G-A. GRCh37 (hg19) VCF-style: chr12-6128401-G-A.
Other names: short protein forms R1395W.
Identifiers: ClinVar variation 3572166 (VCV003572166.1).

ClinVar aggregate classification (germline): Uncertain significance (1 of 4 stars; one submission).

gnomAD v4.1: 20 of 1,613,782 alleles (0.0012%); highest among the groups gnomAD compares: East Asian, 0.011%; no homozygotes.

Submission:

Quest Diagnostics Nichols Institute San Juan Capistrano
Classification: Uncertain significance. Last evaluated: 2024-11-11. Review status: criteria provided, single submitter. Criteria: Quest Diagnostics criteria. Collection method: clinical testing. Allele origin: unknown.
Comment: The VWF c.4183C>T (p.Arg1395Trp) variant has been reported in the published literature in an individual with Von Willebrand disease (VWD Type 2M (PMID: 28971901 (2017)). The frequency of this variant in the general population, 0.000023 (3/128332 chromosomes (Genome Aggregation Database)), is uninformative in the assessment of its pathogenicity. Analysis of this variant using bioinformatics tools for the prediction of the effect of amino acid changes on protein structure and function yielded conflicting predictions that this variant is benign or damaging. Based on the available information, we are unable to determine the clinical significance of this variant.

Literature cited by the submitters: PubMed 28971901; PubMed 37647632.